The following is an entry in ClinVar:

NM_003079.5(SMARCE1):c.734_735inv (p.Leu245Gln)

Gene: SMARCE1 (SWI/SNF related BAF chromatin remodeling complex subunit E1; minus strand). Cytogenetic location: 17q21.2.
Variant type: Inversion.
Coding change: c.734_735inv on transcript NM_003079.5 (MANE Select).
Protein change: p.Leu245Gln; replaces leucine 245 with glutamine.
Molecular consequence: missense variant.
Genome position: GRCh38 VCF-style: chr17-40631673-AA-TT. GRCh37 (hg19) VCF-style: chr17-38787925-AA-TT.
Other names: c.734_735delTTinsAA (NM_003079.4); short protein forms L245Q.
Identifiers: ClinVar variation 5029959 (VCV005029959.1).

ClinVar aggregate classification (germline): Uncertain significance (1 of 4 stars; one submission).

Conditions:
Hereditary cancer-predisposing syndrome. Also called: Neoplastic Syndromes, Hereditary; Tumor predisposition; Hereditary neoplastic syndrome; Hereditary Cancer Syndrome. Identifiers: Orphanet 140162, MedGen C0027672, MeSH D009386, MONDO:0015356.

Submission:

Ambry Genetics
Classification: Uncertain significance for Hereditary cancer-predisposing syndrome. Last evaluated: 2026-08-11. Review status: criteria provided, single submitter. Criteria: Ambry Variant Classification Scheme 2023. Collection method: clinical testing. Allele origin: germline.
Comment: The c.734_735delTTinsAA variant (also known as p.L245Q), located in coding exon 8 of the SMARCE1 gene, results from an in-frame deletion of TT and insertion of AA at nucleotide positions 734 to 735. This results in the substitution of the leucine residue for a glutamine residue at codon 245, an amino acid with dissimilar properties. This amino acid position is highly conserved in available vertebrate species. In addition, the in silico prediction for this variant is inconclusive (Choi Y et al. PLoS ONE. 2012; 7(10):e46688). Based on the available evidence, the clinical significance of this variant remains unclear.